The following is an entry in ClinVar:

NM_003091.4(SNRPB):c.23A>G (p.Lys8Arg)

Gene: SNRPB (small nuclear ribonucleoprotein polypeptides B and B1; minus strand). Cytogenetic location: 20p13.
Variant type: single nucleotide variant.
Coding change: c.23A>G on transcript NM_003091.4 (MANE Select); coding-DNA position 23, A replaced by G.
Protein change: p.Lys8Arg; replaces lysine 8 with arginine.
Molecular consequence: missense variant.
Genome position (GRCh38, 1-based): chr20:2,467,739, T>C on the plus strand (A>G on the coding strand, the complement: SNRPB is on the minus strand). VCF-style: chr20-2467739-T-C. GRCh37 (hg19) VCF-style: chr20-2448385-T-C.
Other names: c.23A>G, p.Lys8Arg (NM_198216.2); short protein forms K8R.
Identifiers: ClinVar variation 3615548 (VCV003615548.2).

ClinVar aggregate classification (germline): Uncertain significance (1 of 4 stars; one submission).

Submission:

Labcorp Genetics (formerly Invitae), Labcorp
Classification: Uncertain significance. Last evaluated: 2024-12-04. Review status: criteria provided, single submitter. Criteria: Invitae Variant Classification Sherloc (09022015). Collection method: clinical testing. Allele origin: germline.
Comment: This sequence change replaces lysine, which is basic and polar, with arginine, which is basic and polar, at codon 8 of the SNRPB protein (p.Lys8Arg). This variant is present in population databases (rs756816978, gnomAD 0.0009%). This variant has not been reported in the literature in individuals affected with SNRPB-related conditions. An algorithm developed to predict the effect of missense changes on protein structure and function (PolyPhen-2) suggests that this variant is likely to be disruptive. In summary, the available evidence is currently insufficient to determine the role of this variant in disease. Therefore, it has been classified as a Variant of Uncertain Significance.